The following is an entry in ClinVar:

ClinVar aggregate classification (germline): Pathogenic/Likely pathogenic. Review status: criteria provided, multiple submitters, no conflicts (2 of 4 stars). 2 submissions from 2 submitters: Pathogenic (1); Likely pathogenic (1). Last evaluated 2025-12-22.

Conditions:
Metaphyseal chondrodysplasia, McKusick type (CHH). Also called: Cartilage-hair hypoplasia; Cartilage-Hair Hypoplasia (CHH). Identifiers: Orphanet 175, MedGen C0220748, MONDO:0009595, OMIM 250250.
Anauxetic dysplasia. Identifiers: Orphanet 93347, MedGen C1846796, MONDO:0011773.

Submissions (2):

Labcorp Genetics (formerly Invitae), Labcorp
Classification: Pathogenic for Anauxetic dysplasia. Last evaluated: 2025-12-22. Review status: criteria provided, single submitter. Criteria: Invitae Variant Classification Sherloc (09022015). Collection method: clinical testing. Allele origin: germline.
Comment: This variant occurs in the RMRP gene, which encodes an RNA molecule that does not result in a protein product. This variant is present in population databases (no rsID available, gnomAD 0.005%). While this particular variant has not been reported in the literature, it is located in the promoter region between the TATA box and the transcription initiation site, and other insertions and duplications immediately upstream of the coding sequence have been reported in individuals affected with cartilage-hair hypoplasia-anauxetic dysplasia (CHH-AD) spectrum disorders (PMID: 16244706, 11207361, 12107819). While functional studies for this variant have not been reported, experimental analyses using patient derived cells, as well as in vitro transfection studies, have shown that promoter insertions result in silencing of RMRP transcription and reduced expression of the gene product (PMID: 11207361, 16254002). For these reasons, this variant has been classified as Pathogenic.

Natera, Inc.
Classification: Likely pathogenic for Cartilage-hair hypoplasia. Last evaluated: 2024-09-20. Review status: criteria provided, single submitter. Criteria: Natera Variant Classification Schema (03/2026). Collection method: clinical testing. Allele origin: germline.
Comment: The n.-29_-10dup variant in RMRP is a duplication affecting the RMRP promoter region between the TATA box and the transcription initiation site. Other duplications and insertions just upstream of the transcription initiation site have been reported in individuals affected with cartilage-hair hypoplasia (PMID: 11207361, 17937437). This variant is rare in the general population with a frequency below the threshold expected for the associated phenotype(s). Given the available evidence, this variant is classified as Likely pathogenic.

Literature cited by the submitters: PubMed 16244706 (cited by Labcorp Genetics (formerly Invitae), Labcorp); PubMed 11207361 (cited by Labcorp Genetics (formerly Invitae), Labcorp and Natera, Inc.); PubMed 12107819 (cited by Labcorp Genetics (formerly Invitae), Labcorp); PubMed 16254002 (cited by Labcorp Genetics (formerly Invitae), Labcorp); PubMed 17937437 (cited by Natera, Inc.).

NR_003051.3(RMRP):n.-29_-10dup

Gene: RMRP (RNA component of mitochondrial RNA processing endoribonuclease; minus strand). Cytogenetic location: 9p13.3.
Variant type: Duplication.
Genome position: GRCh38 VCF-style: chr9-35658027-A-AGCTTCACAGAGTAGTATTTT. GRCh37 (hg19) VCF-style: chr9-35658024-A-AGCTTCACAGAGTAGTATTTT.
Identifiers: ClinVar variation 4733913 (VCV004733913.1).